The following is an entry in ClinVar:

NM_058216.3(RAD51C):c.435A>G (p.Pro145=)

Gene: RAD51C (RAD51 paralog C; plus strand). Cytogenetic location: 17q22.
Variant type: single nucleotide variant.
Coding change: c.435A>G on transcript NM_058216.3 (MANE Select); coding-DNA position 435, A replaced by G.
Protein change: p.Pro145=; no amino-acid change (proline 145 retained).
Molecular consequence: synonymous variant.
Genome position (GRCh38, 1-based): chr17:58,696,723, A>G. VCF-style: chr17-58696723-A-G. GRCh37 (hg19) VCF-style: chr17-56774084-A-G.
Other names: c.435A>G (LRG_314t1).
Identifiers: ClinVar variation 492368 (VCV000492368.25), dbSNP rs555235745, ClinGen allele CA292050269.
Genomic context (GRCh38, chr17:58,696,723, plus strand): 5'-TTTGGTTGTTTGTCATCTTTCTGTTGACAGTATGCAGTTGGCAGTAGATGTGCAGATACC[A>G]GAATGTTTTGGAGGAGTGGCAGGTGAAGCAGTTTTTATTGATACAGAGGGAAGTTTTATG-3'
Protein context (NP_478123.1, residues 135-155): CMQLAVDVQI[Pro145=]ECFGGVAGEA

ClinVar aggregate classification (germline): Conflicting classifications of pathogenicity. Review status: criteria provided, conflicting classifications (1 of 4 stars). 9 submissions from 8 submitters: Uncertain significance (1); Benign (1); Likely benign (7). Last evaluated 2025-12-08.

Conditions:
Fanconi anemia complementation group O. Also called: RAD51C-Related Fanconi Anemia. Identifiers: Orphanet 84, MedGen C3150653, MONDO:0013248, OMIM 613390.
Hereditary cancer-predisposing syndrome. Also called: Tumor predisposition; Hereditary Cancer Syndrome; Neoplastic Syndromes, Hereditary; Hereditary neoplastic syndrome. Identifiers: Orphanet 140162, MedGen C0027672, MeSH D009386, MONDO:0015356.
Breast-ovarian cancer, familial, susceptibility to, 3. Also called: RAD51C-Related Breast/Ovarian Cancer. Identifiers: Orphanet 145, MedGen C3150659, MONDO:0013253, OMIM 613399.

Allele frequency attached by ClinVar (database versions not stated): gnomAD 0.00001; gnomAD exomes 0.00001 and below 0.00001; 1000 Genomes Project 30x 0.00031; 1000 Genomes Project 0.00040.
gnomAD v4.1: 6 of 1,614,232 alleles (0.00037%); highest among the groups gnomAD compares: East Asian, 0.0089%; no homozygotes.

Submissions (9):

Labcorp Genetics (formerly Invitae), Labcorp
Classification: Likely benign for Fanconi anemia complementation group O. Last evaluated: 2025-12-08. Review status: criteria provided, single submitter. Criteria: Invitae Variant Classification Sherloc (09022015). Collection method: clinical testing. Allele origin: germline.

Myriad Genetics, Inc.
Classification: Benign for Breast-ovarian cancer, familial, susceptibility to, 3. Last evaluated: 2025-02-18. Review status: criteria provided, single submitter. Criteria: Myriad Autosomal Dominant, Autosomal Recessive and X-Linked Classification Criteria (2023). Collection method: clinical testing. Allele origin: unknown.
Comment: This variant is considered benign. This variant is a silent/synonymous amino acid change and it is not expected to impact splicing.

Blueprint Genetics
Classification: Likely benign. Last evaluated: 2023-04-17. Review status: criteria provided, single submitter. Criteria: ACMG Guidelines, 2015. Collection method: clinical testing. Allele origin: germline.

Quest Diagnostics Nichols Institute San Juan Capistrano
Classification: Likely benign. Last evaluated: 2020-10-22. Review status: criteria provided, single submitter. Criteria: Quest Diagnostics criteria. Collection method: clinical testing. Allele origin: unknown.

Ambry Genetics
Classification: Likely benign for Hereditary cancer-predisposing syndrome. Last evaluated: 2019-08-19. Review status: criteria provided, single submitter. Criteria: Ambry Variant Classification Scheme 2023. Collection method: clinical testing. Allele origin: germline.

Illumina Laboratory Services, Illumina
Classification: Likely benign for Breast-ovarian cancer, familial, susceptibility to, 3. Last evaluated: 2018-01-13. Review status: criteria provided, single submitter. Criteria: ICSL Variant Classification Criteria 13 December 2019. Collection method: clinical testing. Allele origin: germline.
Comment: This variant was observed in the ICSL laboratory as part of a predisposition screen in an ostensibly healthy population. It had not been previously curated by ICSL or reported in the Human Gene Mutation Database (HGMD: prior to June 1st, 2018), and was therefore a candidate for classification through an automated scoring system. Utilizing variant allele frequency, disease prevalence and penetrance estimates, and inheritance mode, an automated score was calculated to assess if this variant is too frequent to cause the disease. Based on the score and internal cut-off values, a variant classified as likely benign is not then subjected to further curation. The score for this variant resulted in a classification of likely benign for this disease.

Illumina Laboratory Services, Illumina
Classification: Uncertain significance for Fanconi anemia complementation group O. Last evaluated: 2018-01-13. Review status: criteria provided, single submitter. Criteria: ICSL Variant Classification Criteria 13 December 2019. Collection method: clinical testing. Allele origin: germline.

GeneDx
Classification: Likely benign. Last evaluated: 2017-02-26. Review status: criteria provided, single submitter. Criteria: GeneDx Variant Classification (06012015). Collection method: clinical testing. Allele origin: germline. Affected: yes.
Comment: This variant is considered likely benign or benign based on one or more of the following criteria: it is a conservative change, it occurs at a poorly conserved position in the protein, it is predicted to be benign by multiple in silico algorithms, and/or has population frequency not consistent with disease.

Color Diagnostics, LLC DBA Color Health
Classification: Likely benign for Hereditary cancer-predisposing syndrome. Last evaluated: 2017-01-19. Review status: criteria provided, single submitter. Criteria: ACMG Guidelines, 2015. Collection method: clinical testing. Allele origin: germline.